The following is an entry in ClinVar:

NM_181712.5(KANK4):c.1666A>G (p.Thr556Ala)

Gene: KANK4 (KN motif and ankyrin repeat domains 4; minus strand). Cytogenetic location: 1p31.3.
Variant type: single nucleotide variant.
Coding change: c.1666A>G on transcript NM_181712.5 (MANE Select); coding-DNA position 1666, A replaced by G.
Protein change: p.Thr556Ala; replaces threonine 556 with alanine.
Molecular consequence: missense variant. On other transcripts: intron variant (1).
Genome position (GRCh38, 1-based): chr1:62,273,438, T>C on the plus strand (A>G on the coding strand, the complement: KANK4 is on the minus strand). VCF-style: chr1-62273438-T-C. GRCh37 (hg19) VCF-style: chr1-62739110-T-C.
Other names: c.17-1849A>G (NM_001320269.2); short protein forms T556A.
Identifiers: ClinVar variation 2174769 (VCV002174769.4), dbSNP rs775867875, ClinGen allele CA884335.

ClinVar aggregate classification (germline): Uncertain significance (1 of 4 stars; one submission).

Allele frequency attached by ClinVar (database versions not stated): gnomAD 0.00001; gnomAD exomes 0.00001; TOPMed 0.00001; ExAC 0.00002.
gnomAD v4.1: 14 of 1,613,670 alleles (0.00087%); highest among the groups gnomAD compares: South Asian, 0.013%; no homozygotes.

Submission:

Labcorp Genetics (formerly Invitae), Labcorp
Classification: Uncertain significance. Last evaluated: 2022-09-07. Review status: criteria provided, single submitter. Criteria: Invitae Variant Classification Sherloc (09022015). Collection method: clinical testing. Allele origin: germline.
Comment: This variant has not been reported in the literature in individuals affected with KANK4-related conditions. In summary, the available evidence is currently insufficient to determine the role of this variant in disease. Therefore, it has been classified as a Variant of Uncertain Significance. Algorithms developed to predict the effect of missense changes on protein structure and function output the following: SIFT: "Tolerated"; PolyPhen-2: "Benign"; Align-GVGD: "Class C0". The alanine amino acid residue is found in multiple mammalian species, which suggests that this missense change does not adversely affect protein function. This variant is present in population databases (rs775867875, gnomAD 0.01%). This sequence change replaces threonine, which is neutral and polar, with alanine, which is neutral and non-polar, at codon 556 of the KANK4 protein (p.Thr556Ala).